The following is an entry in ClinVar:

NM_006005.3(WFS1):c.2668G>C (p.Ala890Pro)

Gene: WFS1 (wolframin ER transmembrane glycoprotein; plus strand). Cytogenetic location: 4p16.1.
Variant type: single nucleotide variant.
Coding change: c.2668G>C on transcript NM_006005.3 (MANE Select); coding-DNA position 2668, G replaced by C.
Protein change: p.Ala890Pro; replaces alanine 890 with proline.
Molecular consequence: missense variant.
Genome position (GRCh38, 1-based): chr4:6,302,463, G>C. VCF-style: chr4-6302463-G-C. GRCh37 (hg19) VCF-style: chr4-6304190-G-C.
Other names: c.2668G>C, p.Ala890Pro (NM_001145853.1); short protein forms A890P.
Identifiers: ClinVar variation 2505730 (VCV002505730.1), dbSNP rs2474197903, ClinGen allele CA356179843.

ClinVar aggregate classification (germline): Uncertain significance (1 of 4 stars; one submission).

Submission:

GeneDx
Classification: Uncertain significance. Last evaluated: 2022-12-14. Review status: criteria provided, single submitter. Criteria: GeneDx Variant Classification Process June 2021. Collection method: clinical testing. Allele origin: germline. Affected: yes.
Comment: Not observed at significant frequency in large population cohorts (gnomAD); In silico analysis supports that this missense variant does not alter protein structure/function; Has not been previously published as pathogenic or benign to our knowledge